The following is an entry in ClinVar:

NM_014008.5(CCDC22):c.615G>A (p.Ser205=)

Gene: CCDC22 (CCC complex scaffolding subunit CCDC22; plus strand). Cytogenetic location: Xp11.23.
Variant type: single nucleotide variant.
Coding change: c.615G>A on transcript NM_014008.5 (MANE Select); coding-DNA position 615, G replaced by A.
Protein change: p.Ser205=; no amino-acid change (serine 205 retained).
Molecular consequence: synonymous variant.
Genome position (GRCh38, 1-based): chrX:49,243,363, G>A. VCF-style: chrX-49243363-G-A. GRCh37 (hg19) VCF-style: chrX-49099829-G-A.
Identifiers: ClinVar variation 547081 (VCV000547081.47), dbSNP rs150796681, ClinGen allele CA10411288.
Genomic context (GRCh38, chrX:49,243,363, plus strand): 5'-GAGTCCCCTGCTGCTTCCAGTCCCTACCCAGGTGCCTCAGCCTGTTGGAAGGGTGGCCTC[G>A]CTCCTCGAACACCATGCCCTGCAGCTCTGCCAGCAGACGGGCCGGGACCGGCCAGGGGAT-3'
Protein context (NP_054727.1, residues 195-215): QVPQPVGRVA[Ser205=]LLEHHALQLC

ClinVar aggregate classification (germline): Likely benign. Review status: criteria provided, multiple submitters, no conflicts (2 of 4 stars). 3 submissions from 3 submitters: Likely benign (3). Last evaluated 2025-10-01.

Allele frequency attached by ClinVar (database versions not stated): gnomAD 0.00008 and 0.00010; TOPMed 0.00008; ESP Exome Variant Server 0.00009; ExAC 0.00010; gnomAD exomes 0.00010 and 0.00011.
gnomAD v4.1: 128 of 1,203,047 alleles (0.011%); highest among the groups gnomAD compares: Middle Eastern, 0.25%; no homozygotes.

Submissions (3):

CeGaT Center for Human Genetics Tuebingen
Classification: Likely benign. Last evaluated: 2025-10-01. Review status: criteria provided, single submitter. Criteria: CeGaT Center For Human Genetics Tuebingen Variant Classification Criteria Version 2. Collection method: clinical testing. Allele origin: germline. Affected: yes. Observed: 3 variant alleles.
Comment: CCDC22: BS2

Labcorp Genetics (formerly Invitae), Labcorp
Classification: Likely benign. Last evaluated: 2019-12-31. Review status: criteria provided, single submitter. Criteria: Invitae Variant Classification Sherloc (09022015). Collection method: clinical testing. Allele origin: germline.

Breakthrough Genomics
Classification: Likely benign. Review status: criteria provided, single submitter. Criteria: ACMG Guidelines, 2015. Collection method: not provided. Allele origin: germline. Inheritance: X-linked inheritance. Affected: yes.